The following is an entry in ClinVar:

ClinVar aggregate classification (germline): Uncertain significance (1 of 4 stars; one submission).

Conditions:
Cardiovascular phenotype. Identifiers: MedGen CN230736.

Submission:

Ambry Genetics
Classification: Uncertain significance for Cardiovascular phenotype. Last evaluated: 2024-04-19. Review status: criteria provided, single submitter. Criteria: Ambry Variant Classification Scheme 2023. Collection method: clinical testing. Allele origin: germline.
Comment: The p.A350V variant (also known as c.1049C>T), located in coding exon 5 of the KCNH2 gene, results from a C to T substitution at nucleotide position 1049. The alanine at codon 350 is replaced by valine, an amino acid with similar properties. This amino acid position is well conserved in available vertebrate species. In addition, the in silico prediction for this alteration is inconclusive. Based on the available evidence, the clinical significance of this variant remains unclear.

NM_000238.4(KCNH2):c.1049C>T (p.Ala350Val)

Gene: KCNH2 (potassium voltage-gated channel subfamily H member 2; minus strand). Cytogenetic location: 7q36.1.
Variant type: single nucleotide variant.
Coding change: c.1049C>T on transcript NM_000238.4 (MANE Select); coding-DNA position 1049, C replaced by T.
Protein change: p.Ala350Val; replaces alanine 350 with valine.
Molecular consequence: missense variant. On other transcripts: non-coding transcript variant (1).
Genome position (GRCh38, 1-based): chr7:150,957,370, G>A on the plus strand (C>T on the coding strand, the complement: KCNH2 is on the minus strand). VCF-style: chr7-150957370-G-A. GRCh37 (hg19) VCF-style: chr7-150654458-G-A.
Other names: c.761C>T, p.Ala254Val (NM_001406753.1, NM_001406756.1); c.872C>T, p.Ala291Val (NM_001406755.1); c.749C>T, p.Ala250Val (NM_001406757.1); c.1049C>T, p.Ala350Val (NM_172056.3); short protein forms A350V, A254V, A291V, A250V.
Identifiers: ClinVar variation 3287579 (VCV003287579.1).